The following is an entry in ClinVar:

NM_001040105.2(MUC17):c.9447T>A (p.Ser3149=)

Gene: MUC17 (mucin 17, cell surface associated; plus strand). Cytogenetic location: 7q22.1.
Variant type: single nucleotide variant.
Coding change: c.9447T>A on transcript NM_001040105.2 (MANE Select); coding-DNA position 9447, T replaced by A.
Protein change: p.Ser3149=; no amino-acid change (serine 3149 retained).
Molecular consequence: synonymous variant. On other transcripts: non-coding transcript variant (1).
Genome position (GRCh38, 1-based): chr7:101,040,863, T>A. VCF-style: chr7-101040863-T-A. GRCh37 (hg19) VCF-style: chr7-100684144-T-A.
Other names: NC_000007.13:g.100684144T>A.
Identifiers: ClinVar variation 2657848 (VCV002657848.25), dbSNP rs546539302, ClinGen allele CA4403746.

ClinVar aggregate classification (germline): Likely benign (1 of 4 stars; one submission).

Allele frequency attached by ClinVar (database versions not stated): 1000 Genomes Project 30x 0.00016; ExAC 0.00228; 1000 Genomes Project 0.00439.

Submissions (2):

CeGaT Center for Human Genetics Tuebingen
Classification: Likely benign. Last evaluated: 2025-01-01. Review status: criteria provided, single submitter. Criteria: CeGaT Center For Human Genetics Tuebingen Variant Classification Criteria Version 2. Collection method: clinical testing. Allele origin: germline. Affected: yes. Observed: 4 variant alleles.
Comment: MUC17: PM2:Supporting, BP4, BP7

Dr. Peter K. Rogan Lab, Western University
No classification provided (evidence only). Condition: Papillary renal cell carcinoma type 1. Review status: no classification provided. Collection method: in vitro. Allele origin: not applicable. Functional consequence: retained intron. Not counted in ClinVar's aggregate classification.